The following is an entry in ClinVar:

ClinVar aggregate classification (germline): Uncertain significance (1 of 4 stars; one submission).

Conditions:
Rubinstein-Taybi syndrome (RSTS). Identifiers: Orphanet 783, MedGen C0035934, MONDO:0019188.

Submission:

Labcorp Genetics (formerly Invitae), Labcorp
Classification: Uncertain significance for Rubinstein-Taybi syndrome. Last evaluated: 2023-12-11. Review status: criteria provided, single submitter. Criteria: Invitae Variant Classification Sherloc (09022015). Collection method: clinical testing. Allele origin: germline.
Comment: This variant, c.4441_4443del, results in the deletion of 1 amino acid(s) of the CREBBP protein (p.Asp1481del), but otherwise preserves the integrity of the reading frame. This variant is not present in population databases (gnomAD no frequency). This variant has not been reported in the literature in individuals affected with CREBBP-related conditions. Experimental studies and prediction algorithms are not available or were not evaluated, and the functional significance of this variant is currently unknown. In summary, the available evidence is currently insufficient to determine the role of this variant in disease. Therefore, it has been classified as a Variant of Uncertain Significance.

NM_004380.3(CREBBP):c.4438GAT[1] (p.Asp1481del)

Gene: CREBBP (CREB binding lysine acetyltransferase; minus strand). Cytogenetic location: 16p13.3.
Variant type: Microsatellite.
Coding change: c.4438GAT[1] on transcript NM_004380.3 (MANE Select); one copy of the 3-base unit GAT starting at c.4438; the reference has two copies in a row; one copy, 3 bases deleted.
Protein change: p.Asp1481del; deletes aspartic acid 1481.
Molecular consequence: inframe deletion.
Genome position (GRCh38, 1-based): chr16:3,736,767-3,736,769, ATC deleted on the plus strand (GAT on the coding strand, the reverse complement: CREBBP is on the minus strand); deleting any 3 consecutive bases within chr16:3,736,767-3,736,772 gives the same sequence; the position shown is the placement nearest the transcript's 3' end. VCF-style (leftmost placement, unchanged base first): chr16-3736766-AATC-A. GRCh37 (hg19) VCF-style: chr16-3786767-AATC-A.
Other names: c.4324GAT[1], p.Asp1443del (NM_001079846.1); short protein forms D1481del, D1443del.
Identifiers: ClinVar variation 2017602 (VCV002017602.4), dbSNP rs2548363912, ClinGen allele CA2580613411.